The following is an entry in ClinVar:

ClinVar aggregate classification (germline): Uncertain significance (1 of 4 stars; one submission).

Conditions:
Fetal anomalies with a likely genetic cause.

Submission:

Genetics Laboratory, Great Ormond Street Hospital NHS Foundation Trust, North Thames Genomic Laboratory Hub
Classification: Uncertain significance for Fetal anomalies with a likely genetic cause. Last evaluated: 2026-02-27. Review status: criteria provided, single submitter. Criteria: ACGS Best Practice Guidelines for Variant Classification in Rare Disease 2024 v1.2. Collection method: clinical testing. Allele origin: germline. Affected: yes.
Comment: PM2_moderate, PVS1_moderate

NM_015702.3(MMADHC):c.2T>G (p.Met1Arg)

Genes: MMADHC (metabolism of cobalamin associated D; minus strand), LOC126806368 (MED14-independent group 3 enhancer GRCh37_chr2:150443500-150444699; plus strand). Cytogenetic location: 2q23.2.
Variant type: single nucleotide variant.
Coding change: c.2T>G on transcript NM_015702.3 (MANE Select); coding-DNA position 2, T replaced by G.
Protein change: p.Met1Arg; changes the start codon (methionine 1).
Molecular consequence: missense variant, initiator codon variant.
Genome position (GRCh38, 1-based): chr2:149,587,096, A>C on the plus strand (T>G on the coding strand, the complement: MMADHC is on the minus strand). VCF-style: chr2-149587096-A-C. GRCh37 (hg19) VCF-style: chr2-150443610-A-C.
Other names: short protein forms M1R.
Identifiers: ClinVar variation 4845414 (VCV004845414.2).